The following is an entry in ClinVar:

ClinVar aggregate classification (germline): Uncertain significance (1 of 4 stars; one submission).

Conditions:
Developmental and epileptic encephalopathy, 30 (DEE30). Also called: Epileptic encephalopathy, early infantile, 30. Identifiers: MedGen C4225360, MONDO:0014595, OMIM 616341.

Submission:

Labcorp Genetics (formerly Invitae), Labcorp
Classification: Uncertain significance for Developmental and epileptic encephalopathy, 30. Last evaluated: 2023-11-22. Review status: criteria provided, single submitter. Criteria: Invitae Variant Classification Sherloc (09022015). Collection method: clinical testing. Allele origin: germline.
Comment: This sequence change replaces alanine, which is neutral and non-polar, with valine, which is neutral and non-polar, at codon 615 of the SIK1 protein (p.Ala615Val). Information on the frequency of this variant in the gnomAD database is not available, as this variant may be reported differently in the database. This variant has not been reported in the literature in individuals affected with SIK1-related conditions. ClinVar contains an entry for this variant (Variation ID: 1515244). An algorithm developed to predict the effect of missense changes on protein structure and function (PolyPhen-2) suggests that this variant is likely to be tolerated. In summary, the available evidence is currently insufficient to determine the role of this variant in disease. Therefore, it has been classified as a Variant of Uncertain Significance.

NM_173354.5(SIK1):c.1844_1845delinsTG (p.Ala615Val)

Gene: SIK1 (salt inducible kinase 1; minus strand). Cytogenetic location: 21q22.3.
Variant type: Indel.
Coding change: c.1844_1845delinsTG on transcript NM_173354.5 (MANE Select); coding-DNA positions 1844 to 1845, CC replaced by TG.
Protein change: p.Ala615Val; replaces alanine 615 with valine.
Molecular consequence: missense variant.
Genome position (GRCh38, 1-based): chr21:43,417,674-43,417,675, GG replaced by CA on the plus strand (CC replaced by TG on the coding strand, the reverse complement: SIK1 is on the minus strand). VCF-style: chr21-43417674-GG-CA. GRCh37 (hg19) VCF-style: chr21-44837554-GG-CA.
Other names: short protein forms A615V.
Identifiers: ClinVar variation 1515244 (VCV001515244.6), dbSNP rs2146468882, ClinGen allele CA2573157464.
Genomic context (GRCh38, chr21:43,417,674, plus strand): 5'-TGGGCTCTGTGCAGGGGCGTGGAAGGGGCTCAGGCCGCCCCTGCTGGCCCGGCTGGCGGG[GG>CA]CCTGGCACACCTGGCGAGCCAGCCCCTTGATTTTGTTCAGTCCCAGAAACCCTTTGGTCC-3'
Protein context (NP_775490.2, residues 605-625): IKGLARQVCQ[Ala615Val]PASRASRGGL